The following is an entry in ClinVar:

NM_152866.3(MS4A1):c.590T>C (p.Met197Thr)

Gene: MS4A1 (membrane spanning 4-domains A1; plus strand). Cytogenetic location: 11q12.2.
Variant type: single nucleotide variant.
Coding change: c.590T>C on transcript NM_152866.3 (MANE Select); coding-DNA position 590, T replaced by C.
Protein change: p.Met197Thr; replaces methionine 197 with threonine.
Molecular consequence: missense variant.
Genome position (GRCh38, 1-based): chr11:60,466,975, T>C. VCF-style: chr11-60466975-T-C. GRCh37 (hg19) VCF-style: chr11-60234448-T-C.
Other names: c.590T>C, p.Met197Thr (NM_021950.4, NM_152867.2); short protein forms M197T.
Identifiers: ClinVar variation 1371930 (VCV001371930.6), dbSNP rs2135203040, ClinGen allele CA380600332.

ClinVar aggregate classification (germline): Uncertain significance (1 of 4 stars; one submission).

Allele frequency attached by ClinVar (database versions not stated): gnomAD exomes below 0.00001.

Submission:

Labcorp Genetics (formerly Invitae), Labcorp
Classification: Uncertain significance. Last evaluated: 2023-04-10. Review status: criteria provided, single submitter. Criteria: Invitae Variant Classification Sherloc (09022015). Collection method: clinical testing. Allele origin: germline.
Comment: In summary, the available evidence is currently insufficient to determine the role of this variant in disease. Therefore, it has been classified as a Variant of Uncertain Significance. An algorithm developed to predict the effect of missense changes on protein structure and function (PolyPhen-2) suggests that this variant is likely to be disruptive. ClinVar contains an entry for this variant (Variation ID: 1371930). This variant has not been reported in the literature in individuals affected with MS4A1-related conditions. This variant is not present in population databases (gnomAD no frequency). This sequence change replaces methionine, which is neutral and non-polar, with threonine, which is neutral and polar, at codon 197 of the MS4A1 protein (p.Met197Thr).